The following is an entry in ClinVar:

NM_001283009.2(RTEL1):c.3350G>A (p.Ser1117Asn)

Genes: RTEL1 (regulator of telomere elongation helicase 1; plus strand), RTEL1-TNFRSF6B (RTEL1-TNFRSF6B readthrough (NMD candidate); plus strand). Cytogenetic location: 20q13.33.
Variant type: single nucleotide variant.
Coding change: c.3350G>A on transcript NM_001283009.2 (MANE Select); coding-DNA position 3350, G replaced by A.
Protein change: p.Ser1117Asn; replaces serine 1117 with asparagine.
Molecular consequence: missense variant. On other transcripts: non-coding transcript variant (1).
Genome position (GRCh38, 1-based): chr20:63,695,072, G>A. VCF-style: chr20-63695072-G-A. GRCh37 (hg19) VCF-style: chr20-62326425-G-A.
Other names: c.2681G>A, p.Ser894Asn (NM_001283010.1); c.3350G>A, p.Ser1117Asn (NM_016434.4); c.3422G>A, p.Ser1141Asn (NM_032957.5); short protein forms S894N, S1117N, S1141N.
Identifiers: ClinVar variation 5028487 (VCV005028487.1).

ClinVar aggregate classification (germline): Uncertain significance (1 of 4 stars; one submission).

Conditions:
Inborn genetic diseases. Identifiers: MedGen C0950123, MeSH D030342.

Submission:

Ambry Genetics
Classification: Uncertain significance for Inborn genetic diseases. Last evaluated: 2026-07-20. Review status: criteria provided, single submitter. Criteria: Ambry Variant Classification Scheme 2023. Collection method: clinical testing. Allele origin: germline.
Comment: The p.S1117N variant (also known as c.3350G>A), located in coding exon 32 of the RTEL1 gene, results from a G to A substitution at nucleotide position 3350. The serine at codon 1117 is replaced by asparagine, an amino acid with highly similar properties. This amino acid position is conserved. In addition, this alteration is predicted to be tolerated by in silico analysis. Based on the available evidence, the clinical significance of this variant remains unclear.